The following is an entry in ClinVar:

NM_058216.3(RAD51C):c.1106C>T (p.Ser369Leu)

Gene: RAD51C (RAD51 paralog C; plus strand). Cytogenetic location: 17q22.
Variant type: single nucleotide variant.
Coding change: c.1106C>T on transcript NM_058216.3 (MANE Select); coding-DNA position 1106, C replaced by T.
Protein change: p.Ser369Leu; replaces serine 369 with leucine.
Molecular consequence: missense variant. On other transcripts: non-coding transcript variant (1).
Genome position (GRCh38, 1-based): chr17:58,734,197, C>T. VCF-style: chr17-58734197-C-T. GRCh37 (hg19) VCF-style: chr17-56811558-C-T.
Other names: short protein forms S369L.
Identifiers: ClinVar variation 848621 (VCV000848621.13), dbSNP rs2049566471, ClinGen allele CA400366530.

ClinVar aggregate classification (germline): Conflicting classifications of pathogenicity. Review status: criteria provided, conflicting classifications (1 of 4 stars). 2 submissions from 2 submitters: Uncertain significance (1); Benign (1). Last evaluated 2026-01-13.

Conditions:
Hereditary cancer-predisposing syndrome. Also called: Neoplastic Syndromes, Hereditary; Hereditary Cancer Syndrome; Hereditary neoplastic syndrome; Tumor predisposition. Identifiers: Orphanet 140162, MedGen C0027672, MeSH D009386, MONDO:0015356.
Fanconi anemia complementation group O. Also called: RAD51C-Related Fanconi Anemia. Identifiers: Orphanet 84, MedGen C3150653, MONDO:0013248, OMIM 613390.

Allele frequency attached by ClinVar (database versions not stated): gnomAD exomes below 0.00001.
gnomAD v4.1: 2 of 1,612,742 alleles (0.00012%); highest among the groups gnomAD compares: Non-Finnish European, 0.00017%; no homozygotes.

Submissions (2):

Labcorp Genetics (formerly Invitae), Labcorp
Classification: Uncertain significance for Fanconi anemia complementation group O. Last evaluated: 2026-01-13. Review status: criteria provided, single submitter. Criteria: Invitae Variant Classification Sherloc (09022015). Collection method: clinical testing. Allele origin: germline.
Comment: This sequence change replaces serine, which is neutral and polar, with leucine, which is neutral and non-polar, at codon 369 of the RAD51C protein (p.Ser369Leu). This variant is not present in population databases (gnomAD no frequency). This variant has not been reported in the literature in individuals affected with RAD51C-related conditions. ClinVar contains an entry for this variant (Variation ID: 848621). An algorithm developed to predict the effect of missense changes on protein structure and function (PolyPhen-2) suggests that this variant is likely to be tolerated. In summary, the available evidence is currently insufficient to determine the role of this variant in disease. Therefore, it has been classified as a Variant of Uncertain Significance.

Ambry Genetics
Classification: Benign for Hereditary cancer-predisposing syndrome. Last evaluated: 2025-10-09. Review status: criteria provided, single submitter. Criteria: Ambry Variant Classification Scheme 2023. Collection method: clinical testing. Allele origin: germline.